The following is an entry in ClinVar:

NM_001242957.3(MAK):c.474T>A (p.Asp158Glu)

Gene: MAK (male germ cell associated kinase; minus strand). Cytogenetic location: 6p24.2.
Variant type: single nucleotide variant.
Coding change: c.474T>A on transcript NM_001242957.3 (MANE Select); coding-DNA position 474, T replaced by A.
Protein change: p.Asp158Glu; replaces aspartic acid 158 with glutamic acid.
Molecular consequence: missense variant. On other transcripts: non-coding transcript variant (2).
Genome position (GRCh38, 1-based): chr6:10,808,827, A>T on the plus strand (T>A on the coding strand, the complement: MAK is on the minus strand). VCF-style: chr6-10808827-A-T. GRCh37 (hg19) VCF-style: chr6-10809060-A-T.
Other names: c.474T>A, p.Asp158Glu (NM_001242385.2, NM_005906.6); c.372T>A, p.Asp124Glu (NM_001377262.1); c.474T>A (NM_005906.4); short protein forms D158E, D124E.
Identifiers: ClinVar variation 1040740 (VCV001040740.10), dbSNP rs974426122, ClinGen allele CA134123825.

ClinVar aggregate classification (germline): Uncertain significance. Review status: criteria provided, multiple submitters, no conflicts (2 of 4 stars). 3 submissions from 3 submitters: Uncertain significance (3). Last evaluated 2022-09-01.

Conditions:
Inborn genetic diseases. Identifiers: MedGen C0950123, MeSH D030342.

Allele frequency attached by ClinVar (database versions not stated): gnomAD exomes below 0.00001; gnomAD 0.00004; TOPMed 0.00004.
gnomAD v4.1: 7 of 1,613,922 alleles (0.00043%); highest among the groups gnomAD compares: African/African-American, 0.0093%; no homozygotes.

Submissions (3):

Labcorp Genetics (formerly Invitae), Labcorp
Classification: Uncertain significance. Last evaluated: 2022-09-01. Review status: criteria provided, single submitter. Criteria: Invitae Variant Classification Sherloc (09022015). Collection method: clinical testing. Allele origin: germline.
Comment: This sequence change replaces aspartic acid, which is acidic and polar, with glutamic acid, which is acidic and polar, at codon 158 of the MAK protein (p.Asp158Glu). This variant is not present in population databases (gnomAD no frequency). This variant has not been reported in the literature in individuals affected with MAK-related conditions. ClinVar contains an entry for this variant (Variation ID: 1040740). Advanced modeling of protein sequence and biophysical properties (such as structural, functional, and spatial information, amino acid conservation, physicochemical variation, residue mobility, and thermodynamic stability) performed at Invitae indicates that this missense variant is not expected to disrupt MAK protein function. In summary, the available evidence is currently insufficient to determine the role of this variant in disease. Therefore, it has been classified as a Variant of Uncertain Significance.

Blueprint Genetics
Classification: Uncertain significance. Last evaluated: 2022-04-30. Review status: criteria provided, single submitter. Criteria: ACMG Guidelines, 2015. Collection method: clinical testing. Allele origin: germline.

Ambry Genetics
Classification: Uncertain significance for Inborn genetic diseases. Last evaluated: 2021-09-01. Review status: criteria provided, single submitter. Criteria: Ambry Variant Classification Scheme 2023. Collection method: clinical testing. Allele origin: germline.